The following is an entry in ClinVar:

ClinVar aggregate classification (germline): Uncertain significance. Review status: criteria provided, multiple submitters, no conflicts (2 of 4 stars). 3 submissions from 3 submitters: Uncertain significance (3). Last evaluated 2024-11-30.

Conditions:
Duchenne muscular dystrophy (DMD). Also called: Duchenne Muscular Dystrophy (DMD); MUSCULAR DYSTROPHY, PSEUDOHYPERTROPHIC PROGRESSIVE, DUCHENNE TYPE. Identifiers: Orphanet 98896, MedGen C0013264, MONDO:0010679, OMIM 310200.
Becker muscular dystrophy (BMD). Also called: MUSCULAR DYSTROPHY, PSEUDOHYPERTROPHIC PROGRESSIVE, BECKER TYPE; Becker Muscular Dystrophy (BMD). Identifiers: Orphanet 98895, MedGen C0917713, MONDO:0010311, OMIM 300376.
Dilated cardiomyopathy 3B (CMD3B). Also called: CMD3B: DMD-Related Dilated Cardiomyopathy; CARDIOMYOPATHY, DILATED, X-LINKED; DMD-Associated Dilated Cardiomyopathy. Identifiers: Orphanet 154, MedGen C3668940, MONDO:0010542, OMIM 302045.

Submissions (3):

Labcorp Genetics (formerly Invitae), Labcorp
Classification: Uncertain significance for Duchenne muscular dystrophy. Last evaluated: 2024-11-30. Review status: criteria provided, single submitter. Criteria: Invitae Variant Classification Sherloc (09022015). Collection method: clinical testing. Allele origin: germline.
Comment: This sequence change replaces cysteine, which is neutral and slightly polar, with phenylalanine, which is neutral and non-polar, at codon 816 of the DMD protein (p.Cys816Phe). This variant is not present in population databases (gnomAD no frequency). This variant has not been reported in the literature in individuals affected with DMD-related conditions. Invitae Evidence Modeling of protein sequence and biophysical properties (such as structural, functional, and spatial information, amino acid conservation, physicochemical variation, residue mobility, and thermodynamic stability) indicates that this missense variant is not expected to disrupt DMD protein function with a negative predictive value of 95%. In summary, the available evidence is currently insufficient to determine the role of this variant in disease. Therefore, it has been classified as a Variant of Uncertain Significance.

GeneDx
Classification: Uncertain significance. Last evaluated: 2024-05-15. Review status: criteria provided, single submitter. Criteria: GeneDx Variant Classification Process June 2021. Collection method: clinical testing. Allele origin: germline. Affected: yes.
Comment: Not observed at significant frequency in large population cohorts (gnomAD); In silico analysis supports that this missense variant has a deleterious effect on protein structure/function; Missense variant in a gene in which most reported pathogenic variants are truncating/loss of function; Has not been previously published as pathogenic or benign to our knowledge

Fulgent Genetics
Classification: Uncertain significance for Becker muscular dystrophy; Dilated cardiomyopathy 3B; Duchenne muscular dystrophy. Last evaluated: 2024-02-19. Review status: criteria provided, single submitter. Criteria: ACMG Guidelines, 2015. Collection method: clinical testing. Allele origin: germline.

NM_004006.3(DMD):c.2447G>T (p.Cys816Phe)

Gene: DMD (dystrophin; minus strand). Cytogenetic location: Xp21.1.
Variant type: single nucleotide variant.
Coding change: c.2447G>T on transcript NM_004006.3 (MANE Select); coding-DNA position 2447, G replaced by T.
Protein change: p.Cys816Phe; replaces cysteine 816 with phenylalanine.
Molecular consequence: missense variant.
Genome position (GRCh38, 1-based): chrX:32,491,452, C>A on the plus strand (G>T on the coding strand, the complement: DMD is on the minus strand). VCF-style: chrX-32491452-C-A. GRCh37 (hg19) VCF-style: chrX-32509569-C-A.
Other names: c.2423G>T, p.Cys808Phe (NM_000109.4); c.2435G>T, p.Cys812Phe (NM_004009.3); c.2078G>T, p.Cys693Phe (NM_004010.3); short protein forms C693F, C808F, C812F, C816F.
Identifiers: ClinVar variation 3378158 (VCV003378158.4).